The following is an entry in ClinVar:

NM_001303256.3(MORC2):c.3082A>G (p.Ile1028Val)

Gene: MORC2 (MORC family CW-type zinc finger 2; minus strand). Cytogenetic location: 22q12.2.
Variant type: single nucleotide variant.
Coding change: c.3082A>G on transcript NM_001303256.3 (MANE Select); coding-DNA position 3082, A replaced by G.
Protein change: p.Ile1028Val; replaces isoleucine 1028 with valine.
Molecular consequence: missense variant.
Genome position (GRCh38, 1-based): chr22:30,926,820, T>C on the plus strand (A>G on the coding strand, the complement: MORC2 is on the minus strand). VCF-style: chr22-30926820-T-C. GRCh37 (hg19) VCF-style: chr22-31322807-T-C.
Other names: c.3073A>G, p.Ile1025Val (NM_001303257.2); c.2896A>G, p.Ile966Val (NM_014941.3); short protein forms I1028V, I1025V, I966V.
Identifiers: ClinVar variation 2859354 (VCV002859354.3), dbSNP rs2517552396, ClinGen allele CA411228646.

ClinVar aggregate classification (germline): Uncertain significance (1 of 4 stars; one submission).

Conditions:
Charcot-Marie-Tooth disease axonal type 2Z. Also called: CHARCOT-MARIE-TOOTH DISEASE, AXONAL, AUTOSOMAL DOMINANT, TYPE 2Z; CHARCOT-MARIE-TOOTH NEUROPATHY, TYPE 2Z. Identifiers: Orphanet 466768, MedGen C5569025, MONDO:0014736, OMIM 616688.

Submission:

Labcorp Genetics (formerly Invitae), Labcorp
Classification: Uncertain significance for Charcot-Marie-Tooth disease axonal type 2Z. Last evaluated: 2025-04-19. Review status: criteria provided, single submitter. Criteria: Invitae Variant Classification Sherloc (09022015). Collection method: clinical testing. Allele origin: germline.
Comment: This sequence change replaces isoleucine, which is neutral and non-polar, with valine, which is neutral and non-polar, at codon 1028 of the MORC2 protein (p.Ile1028Val). This variant is not present in population databases (gnomAD no frequency). This variant has not been reported in the literature in individuals affected with MORC2-related conditions. ClinVar contains an entry for this variant (Variation ID: 2859354). Invitae Evidence Modeling of protein sequence and biophysical properties (such as structural, functional, and spatial information, amino acid conservation, physicochemical variation, residue mobility, and thermodynamic stability) indicates that this missense variant is not expected to disrupt MORC2 protein function with a negative predictive value of 80%. In summary, the available evidence is currently insufficient to determine the role of this variant in disease. Therefore, it has been classified as a Variant of Uncertain Significance.